The following is an entry in ClinVar:

ClinVar aggregate classification (germline): Uncertain significance (1 of 4 stars; one submission).

Conditions:
Luscan-Lumish syndrome. Identifiers: Orphanet 597738, MedGen C4085873, MONDO:0014791, OMIM 616831.

Allele frequency attached by ClinVar (database versions not stated): TOPMed 0.00002.

Submission:

Labcorp Genetics (formerly Invitae), Labcorp
Classification: Uncertain significance for Luscan-Lumish syndrome. Last evaluated: 2020-03-10. Review status: criteria provided, single submitter. Criteria: Invitae Variant Classification Sherloc (09022015). Collection method: clinical testing. Allele origin: germline.
Comment: This sequence change replaces proline with leucine at codon 132 of the SETD2 protein (p.Pro132Leu). The proline residue is moderately conserved and there is a moderate physicochemical difference between proline and leucine. This variant is not present in population databases (ExAC no frequency). This variant has not been reported in the literature in individuals with SETD2-related conditions. Algorithms developed to predict the effect of missense changes on protein structure and function (SIFT, PolyPhen-2, Align-GVGD) all suggest that this variant is likely to be tolerated, but these predictions have not been confirmed by published functional studies and their clinical significance is uncertain. In summary, the available evidence is currently insufficient to determine the role of this variant in disease. Therefore, it has been classified as a Variant of Uncertain Significance.

NM_014159.7(SETD2):c.395C>T (p.Pro132Leu)

Gene: SETD2 (SET domain containing 2, histone lysine methyltransferase; minus strand). Cytogenetic location: 3p21.31.
Variant type: single nucleotide variant.
Coding change: c.395C>T on transcript NM_014159.7 (MANE Select); coding-DNA position 395, C replaced by T.
Protein change: p.Pro132Leu; replaces proline 132 with leucine.
Molecular consequence: missense variant. On other transcripts: non-coding transcript variant (1).
Genome position (GRCh38, 1-based): chr3:47,124,241, G>A on the plus strand (C>T on the coding strand, the complement: SETD2 is on the minus strand). VCF-style: chr3-47124241-G-A. GRCh37 (hg19) VCF-style: chr3-47165731-G-A.
Other names: c.263C>T, p.Pro88Leu (NM_001349370.3); short protein forms P132L, P88L.
Identifiers: ClinVar variation 1061354 (VCV001061354.5), dbSNP rs953669232, ClinGen allele CA73812307.